The following is an entry in ClinVar:

NM_005477.3(HCN4):c.3377G>A (p.Ser1126Asn)

Gene: HCN4 (hyperpolarization activated cyclic nucleotide gated potassium channel 4; minus strand). Cytogenetic location: 15q24.1.
Variant type: single nucleotide variant.
Coding change: c.3377G>A on transcript NM_005477.3 (MANE Select); coding-DNA position 3377, G replaced by A.
Protein change: p.Ser1126Asn; replaces serine 1126 with asparagine.
Molecular consequence: missense variant.
Genome position (GRCh38, 1-based): chr15:73,322,716, C>T on the plus strand (G>A on the coding strand, the complement: HCN4 is on the minus strand). VCF-style: chr15-73322716-C-T. GRCh37 (hg19) VCF-style: chr15-73615057-C-T.
Other names: short protein forms S1126N.
Identifiers: ClinVar variation 1730775 (VCV001730775.2), dbSNP rs1350497259, ClinGen allele CA393085449.

ClinVar aggregate classification (germline): Uncertain significance (1 of 4 stars; one submission).

Conditions:
Cardiovascular phenotype. Identifiers: MedGen CN230736.

Allele frequency attached by ClinVar (database versions not stated): gnomAD exomes below 0.00001.

Submission:

Ambry Genetics
Classification: Uncertain significance for Cardiovascular phenotype. Last evaluated: 2022-07-19. Review status: criteria provided, single submitter. Criteria: Ambry Variant Classification Scheme 2023. Collection method: clinical testing. Allele origin: germline.
Comment: The p.S1126N variant (also known as c.3377G>A), located in coding exon 8 of the HCN4 gene, results from a G to A substitution at nucleotide position 3377. The serine at codon 1126 is replaced by asparagine, an amino acid with highly similar properties. This amino acid position is conserved. In addition, this alteration is predicted to be tolerated by in silico analysis. Since supporting evidence is limited at this time, the clinical significance of this alteration remains unclear.